The following is an entry in ClinVar:

ClinVar aggregate classification (germline): Likely benign (1 of 4 stars; one submission).

gnomAD v4.1: 97 of 1,612,464 alleles (0.006%); highest among the groups gnomAD compares: Non-Finnish European, 0.0038%; no homozygotes.

Submission:

CeGaT Center for Human Genetics Tuebingen
Classification: Likely benign. Last evaluated: 2026-05-01. Review status: criteria provided, single submitter. Criteria: CeGaT Center For Human Genetics Tuebingen Variant Classification Criteria Version 2. Collection method: clinical testing. Allele origin: germline. Affected: yes. Observed: 1 variant allele.
Comment: ITSN1: BP4

NM_003024.3(ITSN1):c.334G>A (p.Ala112Thr)

Gene: ITSN1 (intersectin 1; plus strand). Cytogenetic location: 21q22.11.
Variant type: single nucleotide variant.
Coding change: c.334G>A on transcript NM_003024.3 (MANE Select); coding-DNA position 334, G replaced by A.
Protein change: p.Ala112Thr; replaces alanine 112 with threonine.
Molecular consequence: missense variant.
Genome position (GRCh38, 1-based): chr21:33,735,192, G>A. VCF-style: chr21-33735192-G-A. GRCh37 (hg19) VCF-style: chr21-35107497-G-A.
Other names: c.334G>A, p.Ala112Thr (NM_001001132.2, NM_001331008.2, NM_001331009.2 and 3 more transcripts); short protein forms A112T.
Identifiers: ClinVar variation 4872958 (VCV004872958.2).